The following is an entry in ClinVar:

ClinVar aggregate classification (germline): Uncertain significance (1 of 4 stars; one submission).

Submission:

Ambry Genetics
Classification: Uncertain significance. Last evaluated: 2023-09-24. Review status: criteria provided, single submitter. Criteria: Ambry Variant Classification Scheme 2023. Collection method: clinical testing. Allele origin: germline.
Comment: The p.Q88H variant (also known as c.264A>T), located in coding exon 2 of the BUB3 gene, results from an A to T substitution at nucleotide position 264. The glutamine at codon 88 is replaced by histidine, an amino acid with highly similar properties. This amino acid position is conserved. In addition, the in silico prediction for this alteration is inconclusive. Since supporting evidence is limited at this time, the clinical significance of this alteration remains unclear.

NM_004725.4(BUB3):c.264A>T (p.Gln88His)

Gene: BUB3 (BUB3 mitotic checkpoint protein; plus strand). Cytogenetic location: 10q26.13.
Variant type: single nucleotide variant.
Coding change: c.264A>T on transcript NM_004725.4 (MANE Select); coding-DNA position 264, A replaced by T.
Protein change: p.Gln88His; replaces glutamine 88 with histidine.
Molecular consequence: missense variant.
Genome position (GRCh38, 1-based): chr10:123,155,726, A>T. VCF-style: chr10-123155726-A-T. GRCh37 (hg19) VCF-style: chr10-124915242-A-T.
Other names: c.264A>T, p.Gln88His (NM_001007793.3); short protein forms Q88H.
Identifiers: ClinVar variation 3224497 (VCV003224497.1), dbSNP rs752460891, ClinGen allele CA378625310.